The following is an entry in ClinVar:

ClinVar aggregate classification (germline): Pathogenic/Likely pathogenic. Review status: criteria provided, multiple submitters, no conflicts (2 of 4 stars). 2 submissions from 2 submitters: Pathogenic (1); Likely pathogenic (1). Last evaluated 2025-09-01.

Conditions:
Cerebral cavernous malformation (CCM). Also called: Cavernous Hemangioma of Brain; Cerebral cavernous hemangioma (type); Cerebral cavernous malformations; CAVERNOUS ANGIOMA, FAMILIAL; CAVERNOUS ANGIOMATOUS MALFORMATIONS; CEREBRAL CAPILLARY MALFORMATIONS. Identifiers: Orphanet 221061, MedGen C2919945, MONDO:0000820, OMIM 116860, HP:0033522.

Submissions (2):

Labcorp Genetics (formerly Invitae), Labcorp
Classification: Pathogenic for Cerebral cavernous malformation. Last evaluated: 2025-09-01. Review status: criteria provided, single submitter. Criteria: Invitae Variant Classification Sherloc (09022015). Collection method: clinical testing. Allele origin: germline.
Comment: This sequence change creates a premature translational stop signal (p.Ile325Phefs*17) in the KRIT1 gene. It is expected to result in an absent or disrupted protein product. Loss-of-function variants in KRIT1 are known to be pathogenic (PMID: 10508515, 11222804, 12404106, 24689081). This variant is not present in population databases (gnomAD no frequency). This variant has not been reported in the literature in individuals affected with KRIT1-related conditions. ClinVar contains an entry for this variant (Variation ID: 590761). For these reasons, this variant has been classified as Pathogenic.

PreventionGenetics, part of Exact Sciences
Classification: Likely pathogenic. Last evaluated: 2018-03-12. Review status: criteria provided, single submitter. Criteria: ACMG Guidelines, 2015. Collection method: clinical testing. Allele origin: germline.

Literature cited by the submitters: PubMed 10508515 (cited by Labcorp Genetics (formerly Invitae), Labcorp); PubMed 11222804 (cited by Labcorp Genetics (formerly Invitae), Labcorp); PubMed 12404106 (cited by Labcorp Genetics (formerly Invitae), Labcorp); PubMed 24689081 (cited by Labcorp Genetics (formerly Invitae), Labcorp).

NM_194454.3(KRIT1):c.972del (p.Ile325fs)

Gene: KRIT1 (KRIT1 ankyrin repeat containing; minus strand). Cytogenetic location: 7q21.2.
Variant type: Deletion.
Coding change: c.972del on transcript NM_194454.3 (MANE Select); coding-DNA position 972, one base deleted (C; older notation c.972delC).
Protein change: p.Ile325fs; shifts the reading frame from isoleucine 325.
Molecular consequence: frameshift variant. On other transcripts: intron variant (3).
Genome position (GRCh38, 1-based): chr7:92,234,466, G deleted on the plus strand (C on the coding strand, the reverse complement: KRIT1 is on the minus strand); the first of 3 consecutive G bases (chr7:92,234,466-92,234,468); deleting any one gives the same sequence. VCF-style (leftmost placement, unchanged base first): chr7-92234465-TG-T. GRCh37 (hg19) VCF-style: chr7-91863779-TG-T.
Other names: c.972delC (NM_194456.1); c.258del, p.Ile87fs (NM_001350671.1); c.972del, p.Ile325fs (NM_001350672.1, NM_001350673.1, NM_001350674.1 and 26 more transcripts); c.845+342del (NM_001350669.1, NM_001013406.2, NM_001350670.1); short protein forms I87fs, I325fs.
Identifiers: ClinVar variation 590761 (VCV000590761.4), dbSNP rs1563301305, ClinGen allele CA891862695.